The following is an entry in ClinVar:

ClinVar aggregate classification (germline): Uncertain significance (1 of 4 stars; one submission).

Conditions:
Familial thoracic aortic aneurysm and aortic dissection (TAAD). Also called: Thoracic aortic aneurysms and dissections. Identifiers: Orphanet 91387, MedGen C4707243, MONDO:0019625.

Submission:

Ambry Genetics
Classification: Uncertain significance for Familial thoracic aortic aneurysm and aortic dissection. Last evaluated: 2023-12-21. Review status: criteria provided, single submitter. Criteria: Ambry Variant Classification Scheme 2023. Collection method: clinical testing. Allele origin: germline.
Comment: The p.L505V variant (also known as c.1513T>G), located in coding exon 4 of the SLC2A10 gene, results from a T to G substitution at nucleotide position 1513. The leucine at codon 505 is replaced by valine, an amino acid with highly similar properties. This amino acid position is conserved. In addition, the in silico prediction for this alteration is inconclusive. Since supporting evidence is limited at this time, the clinical significance of this alteration remains unclear.

NM_030777.4(SLC2A10):c.1513T>G (p.Leu505Val)

Gene: SLC2A10 (solute carrier family 2 member 10; plus strand). Cytogenetic location: 20q13.12.
Variant type: single nucleotide variant.
Coding change: c.1513T>G on transcript NM_030777.4 (MANE Select); coding-DNA position 1513, T replaced by G.
Protein change: p.Leu505Val; replaces leucine 505 with valine.
Molecular consequence: missense variant.
Genome position (GRCh38, 1-based): chr20:46,729,454, T>G. VCF-style: chr20-46729454-T-G. GRCh37 (hg19) VCF-style: chr20-45358093-T-G.
Other names: short protein forms L505V.
Identifiers: ClinVar variation 3228065 (VCV003228065.1), dbSNP rs2515599264, ClinGen allele CA409273454.